The following is an entry in ClinVar:

ClinVar aggregate classification (germline): Uncertain significance (0 of 4 stars; one submission).

Conditions:
Cognitive impairment - coarse facies - heart defects - obesity - pulmonary involvement - short stature - skeletal dysplasia syndrome. Also called: AFF4-Related CHOPS Syndrome; COGNITIVE IMPAIRMENT, COARSE FACIES, HEART DEFECTS, OBESITY, PULMONARY INVOLVEMENT, SHORT STATURE, AND SKELETAL DYSPLASIA; Chops syndrome. Identifiers: Orphanet 444077, MedGen C4085597, MONDO:0014609, OMIM 616368.

Allele frequency attached by ClinVar (database versions not stated): gnomAD exomes below 0.00001.

Submission:

Department of Pathology and Laboratory Medicine, Sinai Health System
Classification: Uncertain significance for Cognitive impairment - coarse facies - heart defects - obesity - pulmonary involvement - short stature - skeletal dysplasia syndrome. Review status: no assertion criteria provided. Collection method: clinical testing. Allele origin: unknown. Affected: yes. Study: The Canadian Open Genetics Repository (COGR).
Comment: The AFF4 p.S141N variant was not identified in the literature nor was it identified in dbSNP or ClinVar. The variant was not identified in the following control databases: the 1000 Genomes Project, the NHLBI GO Exome Sequencing Project, or the Genome Aggregation Database (March 6, 2019, v2.1.1). The p.S141 residue is conserved in mammals and computational analyses (MUT Assesor, PolyPhen-2, SIFT, MutationTaster, Revel, FATHMM, MetaLR, DANN) provide inconsistent predictions regarding the impact to the protein; this information is not very predictive of pathogenicity. The variant occurs outside of the splicing consensus sequence and in silico or computational prediction software programs (Splice AI exome) do not predict a difference in splicing. In summary, based on the above information the clinical significance of this variant cannot be determined with certainty at this time. This variant is classified as a variant of uncertain significance.Â¬â€

NM_014423.4(AFF4):c.422G>A (p.Ser141Asn)

Gene: AFF4 (ALF transcription elongation factor 4; minus strand). Cytogenetic location: 5q31.1.
Variant type: single nucleotide variant.
Coding change: c.422G>A on transcript NM_014423.4 (MANE Select); coding-DNA position 422, G replaced by A.
Protein change: p.Ser141Asn; replaces serine 141 with asparagine.
Molecular consequence: missense variant.
Genome position (GRCh38, 1-based): chr5:132,934,643, C>T on the plus strand (G>A on the coding strand, the complement: AFF4 is on the minus strand). VCF-style: chr5-132934643-C-T. GRCh37 (hg19) VCF-style: chr5-132270335-C-T.
Other names: short protein forms S141N.
Identifiers: ClinVar variation 1049035 (VCV001049035.1), dbSNP rs1393725898, ClinGen allele CA360961476.